The following is an entry in ClinVar:

ClinVar aggregate classification (germline): Conflicting classifications of pathogenicity. Review status: criteria provided, conflicting classifications (1 of 4 stars). 2 submissions from 2 submitters: Uncertain significance (1); Likely benign (1). Last evaluated 2026-04-27.

Conditions:
Melnick-Needles syndrome (MNS). Also called: MELNICK-NEEDLES OSTEODYSPLASTY; OSTEODYSPLASTY OF MELNICK AND NEEDLES; Melnick-Needles Syndrome (FLNA-MNS). Identifiers: Orphanet 2484, MedGen C0025237, MONDO:0010650, OMIM 309350.
Oto-palato-digital syndrome, type II (OPD2). Also called: FACIOPALATOOSSEOUS SYNDROME; OPD II SYNDROME; Otopalatodigital Syndrome Type 2 (FLNA-OPD2); Otopalatodigital Syndrome, Type II. Identifiers: Orphanet 669, Orphanet 90652, MedGen C1844696, MONDO:0010571, OMIM 304120.
Frontometaphyseal dysplasia (FMD1). Identifiers: Orphanet 1826, MedGen C0265293, MONDO:0015942.
Heterotopia, periventricular, X-linked dominant (PVNH1). Also called: PERIVENTRICULAR NODULAR HETEROTOPIA 4; HETEROTOPIA, PERIVENTRICULAR, 1; PERIVENTRICULAR NODULAR HETEROTOPIA 1; X-linked periventricular heterotopia. Identifiers: Orphanet 2149, Orphanet 82004, MedGen C1848213, MONDO:0010233, OMIM 300049.
FLNA-related disorder.

Allele frequency attached by ClinVar (database versions not stated): ExAC 0.00001; gnomAD 0.00003; TOPMed 0.00004.
gnomAD v4.1: 6 of 1,208,664 alleles (0.0005%); highest among the groups gnomAD compares: African/African-American, 0.0087%; no homozygotes.

Submissions (2):

PreventionGenetics, part of Exact Sciences
Classification: Uncertain significance for FLNA-related condition. Last evaluated: 2026-04-27. Review status: criteria provided, single submitter. Criteria: ACMG Guidelines, 2015. Collection method: clinical testing. Allele origin: germline.
Comment: The FLNA c.7900G>T variant is predicted to result in the amino acid substitution p.Asp2634Tyr. To our knowledge, this variant has not been reported in the literature. This variant is reported in 0.016% of alleles in individuals of African descent in gnomAD. At this time, the clinical significance of this variant is uncertain due to the absence of conclusive functional and genetic evidence.

Labcorp Genetics (formerly Invitae), Labcorp
Classification: Likely benign for Oto-palato-digital syndrome, type II; Heterotopia, periventricular, X-linked dominant; Frontometaphyseal dysplasia; Melnick-Needles syndrome. Last evaluated: 2025-08-23. Review status: criteria provided, single submitter. Criteria: Invitae Variant Classification Sherloc (09022015). Collection method: clinical testing. Allele origin: germline.

NM_001110556.2(FLNA):c.7900G>T (p.Asp2634Tyr)

Genes: FLNA (filamin A; minus strand), LOC107988032 (Xq28 proximal FLNA-EMD recombination region; plus strand). Cytogenetic location: Xq28.
Variant type: single nucleotide variant.
Coding change: c.7900G>T on transcript NM_001110556.2 (MANE Select); coding-DNA position 7900, G replaced by T.
Protein change: p.Asp2634Tyr; replaces aspartic acid 2634 with tyrosine.
Molecular consequence: missense variant.
Genome position (GRCh38, 1-based): chrX:154,348,893, C>A on the plus strand (G>T on the coding strand, the complement: FLNA is on the minus strand). VCF-style: chrX-154348893-C-A. GRCh37 (hg19) VCF-style: chrX-153577261-C-A.
Other names: c.7876G>T, p.Asp2626Tyr (NM_001456.4); c.7900G>T (NM_001110556.1); short protein forms D2634Y, D2626Y.
Identifiers: ClinVar variation 1895821 (VCV001895821.6), dbSNP rs782341270, ClinGen allele CA10559811.
Genomic context (GRCh38, chrX:154,348,893, plus strand): 5'-GGCACGGGCCCCAGACTCAGGGCACCACAACGCGGTAGGGGCTGCCTGGGATGTGCTCGT[C>A]CCCCCATTTGACCACCAGTGTGTACTCCCCCTTGTCCTTGAGCAGGTAGGACACGCTGTA-3'
Protein context (NP_001104026.1, residues 2624-2644): GEYTLVVKWG[Asp2634Tyr]EHIPGSPYRV